The following is an entry in ClinVar:

ClinVar aggregate classification (germline): Uncertain significance (1 of 4 stars; one submission).

Conditions:
Hereditary cancer-predisposing syndrome. Also called: Hereditary Cancer Syndrome; Hereditary neoplastic syndrome; Neoplastic Syndromes, Hereditary; Tumor predisposition. Identifiers: Orphanet 140162, MedGen C0027672, MeSH D009386, MONDO:0015356.

Allele frequency attached by ClinVar (database versions not stated): gnomAD exomes below 0.00001.
gnomAD v4.1: 1 of 1,614,228 alleles (0.000062%); highest among the groups gnomAD compares: Non-Finnish European, 0.000085%; no homozygotes.

Submission:

Ambry Genetics
Classification: Uncertain significance for Hereditary cancer-predisposing syndrome. Last evaluated: 2025-12-04. Review status: criteria provided, single submitter. Criteria: Ambry Variant Classification Scheme 2023. Collection method: clinical testing. Allele origin: germline.
Comment: The p.E159K variant (also known as c.475G>A), located in coding exon 4 of the TSC2 gene, results from a G to A substitution at nucleotide position 475. The glutamic acid at codon 159 is replaced by lysine, an amino acid with similar properties. This amino acid position is not well conserved in available vertebrate species. In addition, the in silico prediction for this alteration is inconclusive. Based on the available evidence, the clinical significance of this variant remains unclear.

NM_000548.5(TSC2):c.475G>A (p.Glu159Lys)

Gene: TSC2 (TSC complex subunit 2; plus strand). Cytogenetic location: 16p13.3.
Variant type: single nucleotide variant.
Coding change: c.475G>A on transcript NM_000548.5 (MANE Select); coding-DNA position 475, G replaced by A.
Protein change: p.Glu159Lys; replaces glutamic acid 159 with lysine.
Molecular consequence: missense variant. On other transcripts: synonymous variant (1), intron variant (1).
Genome position (GRCh38, 1-based): chr16:2,054,434, G>A. VCF-style: chr16-2054434-G-A. GRCh37 (hg19) VCF-style: chr16-2104435-G-A.
Other names: c.475G>A, p.Glu159Lys (NM_001077183.3, NM_001114382.3, NM_001363528.2 and 8 more transcripts); c.364G>A, p.Glu122Lys (NM_001318827.2, NM_001406670.1, NM_001406678.1); c.328G>A, p.Glu110Lys (NM_001318829.2, NM_001406675.1, NM_001406676.1 and 1 more transcripts); c.508G>A, p.Glu170Lys (NM_001318832.2); c.565G>A, p.Glu189Lys (NM_001406667.1, NM_001406668.1); c.418G>A, p.Glu140Lys (NM_001406677.1); c.-342G>A (NM_001406680.1, NM_001406683.1, NM_001406687.1); c.30G>A, p.Lys10= (NM_001406681.1); and 6 more; short protein forms E110K, E170K, E122K, E140K, E159K, E189K.
Identifiers: ClinVar variation 1742892 (VCV001742892.3), dbSNP rs1555497714, ClinGen allele CA394308567.